The following is an entry in ClinVar:

NM_004565.3(PEX14):c.925G>T (p.Val309Leu)

Gene: PEX14 (peroxisomal biogenesis factor 14; plus strand). Cytogenetic location: 1p36.22.
Variant type: single nucleotide variant.
Coding change: c.925G>T on transcript NM_004565.3 (MANE Select); coding-DNA position 925, G replaced by T.
Protein change: p.Val309Leu; replaces valine 309 with leucine.
Molecular consequence: missense variant.
Genome position (GRCh38, 1-based): chr1:10,629,778, G>T. VCF-style: chr1-10629778-G-T. GRCh37 (hg19) VCF-style: chr1-10689835-G-T.
Other names: short protein forms V309L.
Identifiers: ClinVar variation 291681 (VCV000291681.7), dbSNP rs764272265, ClinGen allele CA583999.
Genomic context (GRCh38, chr1:10,629,778, plus strand): 5'-ACCTACCACTTGCTGGGCCCCCAGGAGGAAGGCGAGGGGGTGGTGGACGTCAAGGGCCAG[G>T]TGCGGATGGAGGTGCAAGGCGAGGAGGAGAAGAGGGAGGACAAGGAGGACGAGGAGGATG-3'
Protein context (NP_004556.1, residues 299-319): GEGVVDVKGQ[Val309Leu]RMEVQGEEEK

ClinVar aggregate classification (germline): Uncertain significance. Review status: criteria provided, multiple submitters, no conflicts (2 of 4 stars). 2 submissions from 2 submitters: Uncertain significance (2). Last evaluated 2022-08-23.

Conditions:
Peroxisome biogenesis disorder 13A (Zellweger). Also called: Peroxisome biogenesis disorder 13A. Identifiers: Orphanet 912, MedGen C3554004, MONDO:0013952, OMIM 614887.
Peroxisome biogenesis disorder, complementation group K (CGK). Identifiers: MedGen C1866257, MONDO:0800365.

Allele frequency attached by ClinVar (database versions not stated): gnomAD 0.00001; ExAC 0.00002; gnomAD exomes 0.00002 and 0.00004; TOPMed 0.00002.
gnomAD v4.1: 12 of 1,582,896 alleles (0.00076%); highest among the groups gnomAD compares: Admixed American, 0.022%; no homozygotes.

Submissions (2):

Labcorp Genetics (formerly Invitae), Labcorp
Classification: Uncertain significance for Peroxisome biogenesis disorder, complementation group K. Last evaluated: 2022-08-23. Review status: criteria provided, single submitter. Criteria: Invitae Variant Classification Sherloc (09022015). Collection method: clinical testing. Allele origin: germline.
Comment: This sequence change replaces valine, which is neutral and non-polar, with leucine, which is neutral and non-polar, at codon 309 of the PEX14 protein (p.Val309Leu). This variant is present in population databases (rs764272265, gnomAD 0.03%). This variant has not been reported in the literature in individuals affected with PEX14-related conditions. ClinVar contains an entry for this variant (Variation ID: 291681). Algorithms developed to predict the effect of missense changes on protein structure and function are either unavailable or do not agree on the potential impact of this missense change (SIFT: "Deleterious"; PolyPhen-2: "Benign"; Align-GVGD: "Class C0"). In summary, the available evidence is currently insufficient to determine the role of this variant in disease. Therefore, it has been classified as a Variant of Uncertain Significance.

Illumina Laboratory Services, Illumina
Classification: Uncertain significance for Peroxisome biogenesis disorder 13A (Zellweger). Last evaluated: 2018-01-13. Review status: criteria provided, single submitter. Criteria: ICSL Variant Classification Criteria 13 December 2019. Collection method: clinical testing. Allele origin: germline.